The following is an entry in ClinVar:

ClinVar aggregate classification (germline): Likely benign (1 of 4 stars; one submission).

Allele frequency attached by ClinVar (database versions not stated): gnomAD 0.00241; TOPMed 0.00246; ESP Exome Variant Server 0.00256; 1000 Genomes Project 0.00459; gnomAD exomes 0.00023; ExAC 0.00131; 1000 Genomes Project 30x 0.00437.
gnomAD v4.1: 692 of 1,557,540 alleles (0.044%); highest among the groups gnomAD compares: African/African-American, 0.87%; 4 homozygotes.

Submission:

CeGaT Center for Human Genetics Tuebingen
Classification: Likely benign. Last evaluated: 2026-09-01. Review status: criteria provided, single submitter. Criteria: CeGaT Center For Human Genetics Tuebingen Variant Classification Criteria Version 2. Collection method: clinical testing. Allele origin: germline. Affected: yes. Observed: 2 variant alleles.
Comment: SET: BP4, BS1

NM_001122821.2(SET):c.65T>C (p.Leu22Pro)

Genes: DYNC2I2 (dynein 2 intermediate chain 2; minus strand), SET (SET nuclear proto-oncogene; plus strand). Cytogenetic location: 9q34.11.
Variant type: single nucleotide variant.
Coding change: c.65T>C on transcript NM_001122821.2; coding-DNA position 65, T replaced by C.
Protein change: p.Leu22Pro; replaces leucine 22 with proline.
Molecular consequence: missense variant.
Genome position (GRCh38, 1-based): chr9:128,683,960, T>C. VCF-style: chr9-128683960-T-C. GRCh37 (hg19) VCF-style: chr9-131446239-T-C.
Other names: c.65T>C, p.Leu22Pro (NM_001374326.1); short protein forms L22P.
Identifiers: ClinVar variation 3025809 (VCV003025809.20), dbSNP rs138894709, ClinGen allele CA5266801.